The following is an entry in ClinVar:

NM_006946.4(SPTBN2):c.3830A>G (p.Asn1277Ser)

Gene: SPTBN2 (spectrin beta, non-erythrocytic 2; minus strand). Cytogenetic location: 11q13.2.
Variant type: single nucleotide variant.
Coding change: c.3830A>G on transcript NM_006946.4 (MANE Select); coding-DNA position 3830, A replaced by G.
Protein change: p.Asn1277Ser; replaces asparagine 1277 with serine.
Molecular consequence: missense variant.
Genome position (GRCh38, 1-based): chr11:66,699,029, T>C on the plus strand (A>G on the coding strand, the complement: SPTBN2 is on the minus strand). VCF-style: chr11-66699029-T-C. GRCh37 (hg19) VCF-style: chr11-66466500-T-C.
Other names: c.3830A>G (NM_006946.2); short protein forms N1277S.
Identifiers: ClinVar variation 872441 (VCV000872441.47), dbSNP rs746049954, ClinGen allele CA6128746.
Genomic context (GRCh38, chr11:66,699,029, plus strand): 5'-CCCGGGGCCCCAGGGAGCCTCACCTCGTGACAATCTTGCAGGAAATGCTGCTGCTCCCGG[T>C]TGTCCCGAAGACGGCCCAGAAATTGCTGCGCTGCGTCTTGATTCTTCTTGTGCCTGGAAC-3'
Protein context (NP_008877.2, residues 1267-1287): AQQFLGRLRD[Asn1277Ser]REQQHFLQDC

ClinVar aggregate classification (germline): Uncertain significance. Review status: criteria provided, multiple submitters, no conflicts (2 of 4 stars). 5 submissions from 5 submitters: Uncertain significance (5). Last evaluated 2025-07-08.

Conditions:
Inborn genetic diseases. Identifiers: MedGen C0950123, MeSH D030342.

Allele frequency attached by ClinVar (database versions not stated): gnomAD 0.00001; gnomAD exomes 0.00001; TOPMed 0.00001; ExAC 0.00002.
gnomAD v4.1: 18 of 1,614,074 alleles (0.0011%); highest among the groups gnomAD compares: Non-Finnish European, 0.0015%; no homozygotes.

Submissions (5):

GeneDx
Classification: Uncertain significance. Last evaluated: 2025-07-08. Review status: criteria provided, single submitter. Criteria: GeneDx Variant Classification Process June 2021. Collection method: clinical testing. Allele origin: germline. Affected: yes.
Comment: In silico analysis supports that this missense variant has a deleterious effect on protein structure/function; Has not been previously published as pathogenic or benign to our knowledge

Ambry Genetics
Classification: Uncertain significance for Inborn genetic diseases. Last evaluated: 2025-07-02. Review status: criteria provided, single submitter. Criteria: Ambry Variant Classification Scheme 2023. Collection method: clinical testing. Allele origin: germline.

Women's Health and Genetics/Laboratory Corporation of America, LabCorp
Classification: Uncertain significance. Last evaluated: 2024-11-21. Review status: criteria provided, single submitter. Criteria: LabCorp Variant Classification Summary - May 2015. Collection method: clinical testing. Allele origin: germline.
Comment: Variant summary: SPTBN2 c.3830A>G (p.Asn1277Ser) results in a conservative amino acid change in the encoded protein sequence. Three of five in-silico tools predict a benign effect of the variant on protein function. The variant allele was found at a frequency of 1.2e-05 in 251440 control chromosomes. The available data on variant occurrences in the general population are insufficient to allow any conclusion about variant significance. To our knowledge, no occurrence of c.3830A>G in individuals affected with Spinocerebellar Ataxia 5 and no experimental evidence demonstrating its impact on protein function have been reported. ClinVar contains an entry for this variant (Variation ID: 872441). Based on the evidence outlined above, the variant was classified as uncertain significance.

Labcorp Genetics (formerly Invitae), Labcorp
Classification: Uncertain significance. Last evaluated: 2024-06-03. Review status: criteria provided, single submitter. Criteria: Invitae Variant Classification Sherloc (09022015). Collection method: clinical testing. Allele origin: germline.
Comment: This sequence change replaces asparagine, which is neutral and polar, with serine, which is neutral and polar, at codon 1277 of the SPTBN2 protein (p.Asn1277Ser). This variant is present in population databases (rs746049954, gnomAD 0.003%). This variant has not been reported in the literature in individuals affected with SPTBN2-related conditions. ClinVar contains an entry for this variant (Variation ID: 872441). Advanced modeling of protein sequence and biophysical properties (such as structural, functional, and spatial information, amino acid conservation, physicochemical variation, residue mobility, and thermodynamic stability) performed at Invitae indicates that this missense variant is not expected to disrupt SPTBN2 protein function with a negative predictive value of 80%. In summary, the available evidence is currently insufficient to determine the role of this variant in disease. Therefore, it has been classified as a Variant of Uncertain Significance.

CeGaT Center for Human Genetics Tuebingen
Classification: Uncertain significance. Last evaluated: 2020-03-01. Review status: criteria provided, single submitter. Criteria: CeGaT Center For Human Genetics Tuebingen Variant Classification Criteria Version 2. Collection method: clinical testing. Allele origin: germline. Affected: yes. Observed: 2 variant alleles.